The following is an entry in ClinVar:

ClinVar aggregate classification (germline): Uncertain significance (1 of 4 stars; one submission).

Submission:

Labcorp Genetics (formerly Invitae), Labcorp
Classification: Uncertain significance. Last evaluated: 2021-12-07. Review status: criteria provided, single submitter. Criteria: Invitae Variant Classification Sherloc (09022015). Collection method: clinical testing. Allele origin: germline.
Comment: In summary, the available evidence is currently insufficient to determine the role of this variant in disease. Therefore, it has been classified as a Variant of Uncertain Significance. Algorithms developed to predict the effect of sequence changes on RNA splicing suggest that this variant may create or strengthen a splice site. This variant has not been reported in the literature in individuals affected with EIF2B4-related conditions. This variant is not present in population databases (gnomAD no frequency). This sequence change creates a premature translational stop signal (p.Asp521*) in the EIF2B4 gene. While this is not anticipated to result in nonsense mediated decay, it is expected to disrupt the last 2 amino acid(s) of the EIF2B4 protein.

NM_001034116.2(EIF2B4):c.1561delinsTC (p.Ser521_Asp522insTer)

Genes: EIF2B4 (eukaryotic translation initiation factor 2B subunit delta; minus strand), GTF3C2-AS2 (GTF3C2 antisense RNA 2; plus strand). Cytogenetic location: 2p23.3.
Variant type: Indel.
Coding change: c.1561delinsTC on transcript NM_001034116.2 (MANE Select); coding-DNA position 1561, A replaced by TC.
Protein change: p.Ser521_Asp522insTer.
Molecular consequence: frameshift variant.
Genome position (GRCh38, 1-based): chr2:27,364,411, T replaced by GA on the plus strand (A replaced by TC on the coding strand, the reverse complement: EIF2B4 is on the minus strand). VCF-style: chr2-27364411-T-GA. GRCh37 (hg19) VCF-style: chr2-27587278-T-GA.
Other names: c.1624delinsTC, p.Ser542_Asp543insTer (NM_001318965.2); c.1516delinsTC, p.Ser506_Asp507insTer (NM_001318966.2); c.1468delinsTC, p.Ser490_Asp491insTer (NM_001318967.2); c.976delinsTC, p.Ser326_Asp327insTer (NM_001318968.2); c.943delinsTC, p.Ser315_Asp316insTer (NM_001318969.2); c.1558delinsTC, p.Ser520_Asp521insTer (NM_015636.4); c.1621delinsTC, p.Ser541_Asp542insTer (NM_172195.4).
Identifiers: ClinVar variation 2035650 (VCV002035650.4), dbSNP rs2465485296, ClinGen allele CA2580066217.